The following is an entry in ClinVar:

ClinVar aggregate classification (germline): Likely benign. Review status: criteria provided, single submitter (1 of 4 stars). 2 submissions from 2 submitters: Likely benign (1). 1 of the submissions does not count toward it. Last evaluated 2025-06-25.

Conditions:
Gorlin syndrome. Also called: Nevoid Basal Cell Carcinoma Syndrome; Basal cell nevus syndrome. Identifiers: Orphanet 377, MedGen C0004779, MONDO:0007187.
PTCH2-related disorder. Also called: PTCH2-related condition; PTCH2-related disease.

Allele frequency attached by ClinVar (database versions not stated): gnomAD exomes below 0.00001 and 0.00001; ExAC 0.00002; TOPMed 0.00004; gnomAD 0.00007 and 0.00008; ESP Exome Variant Server 0.00008.
gnomAD v4.1: 18 of 1,614,026 alleles (0.0011%); highest among the groups gnomAD compares: African/African-American, 0.023%; no homozygotes.

Submissions (2):

Labcorp Genetics (formerly Invitae), Labcorp
Classification: Likely benign for Gorlin syndrome. Last evaluated: 2025-06-25. Review status: criteria provided, single submitter. Criteria: Invitae Variant Classification Sherloc (09022015). Collection method: clinical testing. Allele origin: germline.

PreventionGenetics, part of Exact Sciences
Classification: Likely benign for PTCH2-related condition. Last evaluated: 2024-05-17. Review status: no assertion criteria provided. Collection method: clinical testing. Allele origin: germline. Not counted in ClinVar's aggregate classification.
Comment: This variant is classified as likely benign based on ACMG/AMP sequence variant interpretation guidelines (Richards et al. 2015 PMID: 25741868, with internal and published modifications).

NM_003738.5(PTCH2):c.1563C>T (p.Ile521=)

Gene: PTCH2 (patched 2; minus strand). Cytogenetic location: 1p34.1.
Variant type: single nucleotide variant.
Coding change: c.1563C>T on transcript NM_003738.5 (MANE Select); coding-DNA position 1563, C replaced by T.
Protein change: p.Ile521=; no amino-acid change (isoleucine 521 retained).
Molecular consequence: synonymous variant.
Genome position (GRCh38, 1-based): chr1:44,828,533, G>A on the plus strand (C>T on the coding strand, the complement: PTCH2 is on the minus strand). VCF-style: chr1-44828533-G-A. GRCh37 (hg19) VCF-style: chr1-45294205-G-A.
Other names: c.1563C>T, p.Ile521= (NM_001166292.2); c.1563C>T (NM_003738.4).
Identifiers: ClinVar variation 1123855 (VCV001123855.10), dbSNP rs141511043, ClinGen allele CA823272.
Genomic context (GRCh38, chr1:44,828,533, plus strand): 5'-CCACCCTGAGCTGCCCCGTGTGAGAGGCCTCACCTGTAGGGAGAAGGCTCGCAGCGCAGG[G>A]ATGGGAACGAGGGCAGCCATGAGGAAGGCGGCCATGTTGTTGATGGATGTGAGTACGACA-3'
Protein context (NP_003729.3, residues 511-531): AAFLMAALVP[Ile521=]PALRAFSLQA